The following is an entry in ClinVar:

ClinVar aggregate classification (germline): Uncertain significance (1 of 4 stars; one submission).

Conditions:
Early-infantile DEE. Also called: Early infantile epileptic encephalopathy; Ohtahara syndrome; Early infantile epileptic encephalopathy with suppression bursts. Identifiers: Orphanet 1934, MedGen C0393706, MONDO:0800491.

Allele frequency attached by ClinVar (database versions not stated): gnomAD exomes 0.00001; ExAC 0.00002; gnomAD 0.00004; TOPMed 0.00006; ESP Exome Variant Server 0.00023.
gnomAD v4.1: 12 of 1,613,998 alleles (0.00074%); highest among the groups gnomAD compares: African/African-American, 0.0067%; no homozygotes.

Submission:

Labcorp Genetics (formerly Invitae), Labcorp
Classification: Uncertain significance for Early-infantile DEE. Last evaluated: 2025-07-14. Review status: criteria provided, single submitter. Criteria: Invitae Variant Classification Sherloc (09022015). Collection method: clinical testing. Allele origin: germline.
Comment: This sequence change replaces aspartic acid, which is acidic and polar, with asparagine, which is neutral and polar, at codon 556 of the KCNH5 protein (p.Asp556Asn). This variant is present in population databases (rs150842380, gnomAD 0.02%). This variant has not been reported in the literature in individuals affected with KCNH5-related conditions. ClinVar contains an entry for this variant (Variation ID: 944554). Invitae Evidence Modeling of protein sequence and biophysical properties (such as structural, functional, and spatial information, amino acid conservation, physicochemical variation, residue mobility, and thermodynamic stability) indicates that this missense variant is not expected to disrupt KCNH5 protein function with a negative predictive value of 95%. In summary, the available evidence is currently insufficient to determine the role of this variant in disease. Therefore, it has been classified as a Variant of Uncertain Significance.

NM_139318.5(KCNH5):c.1666G>A (p.Asp556Asn)

Gene: KCNH5 (potassium voltage-gated channel subfamily H member 5; minus strand). Cytogenetic location: 14q23.2.
Variant type: single nucleotide variant.
Coding change: c.1666G>A on transcript NM_139318.5 (MANE Select); coding-DNA position 1666, G replaced by A.
Protein change: p.Asp556Asn; replaces aspartic acid 556 with asparagine.
Molecular consequence: missense variant.
Genome position (GRCh38, 1-based): chr14:62,802,485, C>T on the plus strand (G>A on the coding strand, the complement: KCNH5 is on the minus strand). VCF-style: chr14-62802485-C-T. GRCh37 (hg19) VCF-style: chr14-63269203-C-T.
Other names: c.1666G>A, p.Asp556Asn (NM_172375.3); short protein forms D556N.
Identifiers: ClinVar variation 944554 (VCV000944554.10), dbSNP rs150842380, ClinGen allele CA7217424.
Genomic context (GRCh38, chr14:62,802,485, plus strand): 5'-GGTCCCCGGGAGCACAGTGAATGGTTTGGAACTCTACCGCCAAGGCGCGCAGACACCCAT[C>T]GCTGGCCAATCGAAAAGCAGGATGTTCATTAAAAACCTTCCGGTTTAGATGAACACAGAT-3'
Protein context (NP_647479.2, residues 546-566): NEHPAFRLAS[Asp556Asn]GCLRALAVEF